The following is an entry in ClinVar:

NM_001110556.2(FLNA):c.3766T>C (p.Ser1256Pro)

Gene: FLNA (filamin A; minus strand). Cytogenetic location: Xq28.
Variant type: single nucleotide variant.
Coding change: c.3766T>C on transcript NM_001110556.2 (MANE Select); coding-DNA position 3766, T replaced by C.
Protein change: p.Ser1256Pro; replaces serine 1256 with proline.
Molecular consequence: missense variant.
Genome position (GRCh38, 1-based): chrX:154,360,029, A>G on the plus strand (T>C on the coding strand, the complement: FLNA is on the minus strand). VCF-style: chrX-154360029-A-G. GRCh37 (hg19) VCF-style: chrX-153588397-A-G.
Other names: c.3766T>C, p.Ser1256Pro (NM_001456.4); short protein forms S1256P.
Identifiers: ClinVar variation 1328782 (VCV001328782.7), dbSNP rs2148111936, ClinGen allele CA415222680.

ClinVar aggregate classification (germline): Uncertain significance. Review status: criteria provided, multiple submitters, no conflicts (2 of 4 stars). 2 submissions from 2 submitters: Uncertain significance (2). Last evaluated 2025-09-01.

Conditions:
Heterotopia, periventricular, X-linked dominant (PVNH1). Also called: PERIVENTRICULAR NODULAR HETEROTOPIA 1; X-linked periventricular heterotopia; PERIVENTRICULAR NODULAR HETEROTOPIA 4; HETEROTOPIA, PERIVENTRICULAR, 1. Identifiers: Orphanet 2149, Orphanet 82004, MedGen C1848213, MONDO:0010233, OMIM 300049.
Oto-palato-digital syndrome, type II (OPD2). Also called: OPD II SYNDROME; Otopalatodigital Syndrome, Type II; Otopalatodigital Syndrome Type 2 (FLNA-OPD2); FACIOPALATOOSSEOUS SYNDROME. Identifiers: Orphanet 669, Orphanet 90652, MedGen C1844696, MONDO:0010571, OMIM 304120.
Melnick-Needles syndrome (MNS). Also called: MELNICK-NEEDLES OSTEODYSPLASTY; OSTEODYSPLASTY OF MELNICK AND NEEDLES; Melnick-Needles Syndrome (FLNA-MNS). Identifiers: Orphanet 2484, MedGen C0025237, MONDO:0010650, OMIM 309350.
Frontometaphyseal dysplasia (FMD1). Identifiers: Orphanet 1826, MedGen C0265293, MONDO:0015942.

gnomAD v4.1: 3 of 1,209,889 alleles (0.00025%); highest among the groups gnomAD compares: Non-Finnish European, 0.00034%; no homozygotes.

Submissions (2):

Labcorp Genetics (formerly Invitae), Labcorp
Classification: Uncertain significance for Oto-palato-digital syndrome, type II; Heterotopia, periventricular, X-linked dominant; Frontometaphyseal dysplasia; Melnick-Needles syndrome. Last evaluated: 2025-09-01. Review status: criteria provided, single submitter. Criteria: Invitae Variant Classification Sherloc (09022015). Collection method: clinical testing. Allele origin: germline.
Comment: This sequence change replaces serine, which is neutral and polar, with proline, which is neutral and non-polar, at codon 1256 of the FLNA protein (p.Ser1256Pro). This variant is not present in population databases (gnomAD no frequency). This variant has not been reported in the literature in individuals affected with FLNA-related conditions. ClinVar contains an entry for this variant (Variation ID: 1328782). Invitae Evidence Modeling of protein sequence and biophysical properties (such as structural, functional, and spatial information, amino acid conservation, physicochemical variation, residue mobility, and thermodynamic stability) indicates that this missense variant is not expected to disrupt FLNA protein function with a negative predictive value of 95%. In summary, the available evidence is currently insufficient to determine the role of this variant in disease. Therefore, it has been classified as a Variant of Uncertain Significance.

GeneDx
Classification: Uncertain significance. Last evaluated: 2021-06-17. Review status: criteria provided, single submitter. Criteria: GeneDx Variant Classification Process June 2021. Collection method: clinical testing. Allele origin: germline. Affected: yes.
Comment: Not observed at significant frequency in large population cohorts (Lek et al., 2016); In silico analysis supports that this missense variant has a deleterious effect on protein structure/function; Has not been previously published as pathogenic or benign to our knowledge; This variant is associated with the following publications: (PMID: 27535533)